The following is an entry in ClinVar:

NM_000263.4(NAGLU):c.2209C>T (p.Arg737Cys)

Gene: NAGLU (N-acetyl-alpha-glucosaminidase; plus strand). Cytogenetic location: 17q21.2.
Variant type: single nucleotide variant.
Coding change: c.2209C>T on transcript NM_000263.4 (MANE Select); coding-DNA position 2209, C replaced by T.
Protein change: p.Arg737Cys; replaces arginine 737 with cysteine.
Molecular consequence: missense variant.
Genome position (GRCh38, 1-based): chr17:42,544,215, C>T. VCF-style: chr17-42544215-C-T. GRCh37 (hg19) VCF-style: chr17-40696233-C-T.
Other names: short protein forms R737C.
Identifiers: ClinVar variation 1467937 (VCV001467937.3), dbSNP rs86312, ClinGen allele CA8577160.

ClinVar aggregate classification (germline): Uncertain significance (1 of 4 stars; one submission).

Conditions:
Mucopolysaccharidosis, MPS-III-B (MPS3B). Also called: N-ACETYL-ALPHA-D-GLUCOSAMINIDASE DEFICIENCY; NAGLU DEFICIENCY; SANFILIPPO SYNDROME B; MPS III B; MPS IIIB (Sanfilippo Syndrome Type B); MUCOPOLYSACCHARIDOSIS, TYPE IIIB. Identifiers: Orphanet 79270, MedGen C0086648, MONDO:0009656, OMIM 252920.
Charcot-Marie-Tooth disease axonal type 2V. Also called: CHARCOT-MARIE-TOOTH NEUROPATHY, TYPE 2V; CHARCOT-MARIE-TOOTH DISEASE, AXONAL, AUTOSOMAL DOMINANT, TYPE 2V. Identifiers: Orphanet 447964, MedGen C5569050, MONDO:0014665, OMIM 616491.

Allele frequency attached by ClinVar (database versions not stated): 1000 Genomes Project 30x 0.00031.
gnomAD v4.1: 5 of 1,610,898 alleles (0.00031%); highest among the groups gnomAD compares: Admixed American, 0.0033%; no homozygotes.

Submission:

Labcorp Genetics (formerly Invitae), Labcorp
Classification: Uncertain significance for Charcot-Marie-Tooth disease axonal type 2V; Mucopolysaccharidosis, MPS-III-B. Last evaluated: 2021-10-21. Review status: criteria provided, single submitter. Criteria: Invitae Variant Classification Sherloc (09022015). Collection method: clinical testing. Allele origin: germline.
Comment: This sequence change replaces arginine with cysteine at codon 737 of the NAGLU protein (p.Arg737Cys). The arginine residue is weakly conserved and there is a large physicochemical difference between arginine and cysteine. This variant is present in population databases (rs86312, ExAC 0.01%). This variant has not been reported in the literature in individuals affected with NAGLU-related conditions. Algorithms developed to predict the effect of missense changes on protein structure and function are either unavailable or do not agree on the potential impact of this missense change (SIFT: "Tolerated"; PolyPhen-2: "Possibly Damaging"; Align-GVGD: "Class C0"). In summary, the available evidence is currently insufficient to determine the role of this variant in disease. Therefore, it has been classified as a Variant of Uncertain Significance.